The following is an entry in ClinVar:

NM_032608.7(MYO18B):c.4415G>A (p.Arg1472Gln)

Genes: MYO18B (myosin XVIIIB; plus strand), MYO18B-AS1 (MYO18B antisense RNA 1; minus strand). Cytogenetic location: 22q12.1.
Variant type: single nucleotide variant.
Coding change: c.4415G>A on transcript NM_032608.7 (MANE Select); coding-DNA position 4415, G replaced by A.
Protein change: p.Arg1472Gln; replaces arginine 1472 with glutamine.
Molecular consequence: missense variant.
Genome position (GRCh38, 1-based): chr22:25,890,856, G>A. VCF-style: chr22-25890856-G-A. GRCh37 (hg19) VCF-style: chr22-26286823-G-A.
Other names: c.4418G>A, p.Arg1473Gln (NM_001318245.2); c.4415G>A (NM_032608.5); short protein forms R1472Q, R1473Q.
Identifiers: ClinVar variation 1499572 (VCV001499572.6), dbSNP rs771738416, ClinGen allele CA10160871.

ClinVar aggregate classification (germline): Uncertain significance. Review status: criteria provided, multiple submitters, no conflicts (2 of 4 stars). 2 submissions from 2 submitters: Uncertain significance (2). Last evaluated 2025-01-09.

Conditions:
Inborn genetic diseases. Identifiers: MedGen C0950123, MeSH D030342.

Allele frequency attached by ClinVar (database versions not stated): gnomAD exomes 0.00003; gnomAD 0.00001; ExAC 0.00003.
gnomAD v4.1: 30 of 1,613,670 alleles (0.0019%); highest among the groups gnomAD compares: South Asian, 0.0099%; no homozygotes.

Submissions (2):

Ambry Genetics
Classification: Uncertain significance for Inborn genetic diseases. Last evaluated: 2025-01-09. Review status: criteria provided, single submitter. Criteria: Ambry Variant Classification Scheme 2023. Collection method: clinical testing. Allele origin: germline.

Labcorp Genetics (formerly Invitae), Labcorp
Classification: Uncertain significance. Last evaluated: 2022-09-27. Review status: criteria provided, single submitter. Criteria: Invitae Variant Classification Sherloc (09022015). Collection method: clinical testing. Allele origin: germline.
Comment: This sequence change replaces arginine, which is basic and polar, with glutamine, which is neutral and polar, at codon 1472 of the MYO18B protein (p.Arg1472Gln). This variant is present in population databases (rs771738416, gnomAD 0.01%). This variant has not been reported in the literature in individuals affected with MYO18B-related conditions. ClinVar contains an entry for this variant (Variation ID: 1499572). Algorithms developed to predict the effect of missense changes on protein structure and function are either unavailable or do not agree on the potential impact of this missense change (SIFT: "Not Available"; PolyPhen-2: "Probably Damaging"; Align-GVGD: "Not Available"). In summary, the available evidence is currently insufficient to determine the role of this variant in disease. Therefore, it has been classified as a Variant of Uncertain Significance.